The following is an entry in ClinVar:

ClinVar aggregate classification (germline): Likely benign. Review status: criteria provided, multiple submitters, no conflicts (2 of 4 stars). 3 submissions from 3 submitters: Likely benign (3). Last evaluated 2025-07-29.

Conditions:
Hereditary cancer-predisposing syndrome. Also called: Hereditary neoplastic syndrome; Hereditary Cancer Syndrome; Neoplastic Syndromes, Hereditary; Tumor predisposition. Identifiers: Orphanet 140162, MedGen C0027672, MeSH D009386, MONDO:0015356.

Submissions (3):

Labcorp Genetics (formerly Invitae), Labcorp
Classification: Likely benign. Last evaluated: 2025-07-29. Review status: criteria provided, single submitter. Criteria: Invitae Variant Classification Sherloc (09022015). Collection method: clinical testing. Allele origin: germline.

Ambry Genetics
Classification: Likely benign for Hereditary cancer-predisposing syndrome. Last evaluated: 2025-05-31. Review status: criteria provided, single submitter. Criteria: Ambry Variant Classification Scheme 2023. Collection method: clinical testing. Allele origin: germline.

GeneDx
Classification: Likely benign. Last evaluated: 2017-06-28. Review status: criteria provided, single submitter. Criteria: GeneDx Variant Classification (06012015). Collection method: clinical testing. Allele origin: germline. Affected: yes.
Comment: This variant is considered likely benign or benign based on one or more of the following criteria: it is a conservative change, it occurs at a poorly conserved position in the protein, it is predicted to be benign by multiple in silico algorithms, and/or has population frequency not consistent with disease.

NM_006231.4(POLE):c.2604G>A (p.Leu868=)

Gene: POLE (DNA polymerase epsilon, catalytic subunit; minus strand). Cytogenetic location: 12q24.33.
Variant type: single nucleotide variant.
Coding change: c.2604G>A on transcript NM_006231.4 (MANE Select); coding-DNA position 2604, G replaced by A.
Protein change: p.Leu868=; no amino-acid change (leucine 868 retained).
Molecular consequence: synonymous variant.
Genome position (GRCh38, 1-based): chr12:132,664,106, C>T on the plus strand (G>A on the coding strand, the complement: POLE is on the minus strand). VCF-style: chr12-132664106-C-T. GRCh37 (hg19) VCF-style: chr12-133240692-C-T.
Identifiers: ClinVar variation 510562 (VCV000510562.6), dbSNP rs760386245, ClinGen allele CA246318683.
Genomic context (GRCh38, chr12:132,664,106, plus strand): 5'-CACTTTGGGCTTCTTCACATTGGTCGTCTTGAAGACAAAATTTTCTGGGAAGCTGTTGGG[C>T]AGGACGCACCATATACCATCTGTGTCCAGCTCTAAGGGCCTCCTTCAGAGAAAGAGAGGA-3'
Protein context (NP_006222.2, residues 858-878): ELDTDGIWCV[Leu868=]PNSFPENFVF